The following is an entry in ClinVar:

NM_001754.5(RUNX1):c.1318G>C (p.Ala440Pro)

Gene: RUNX1 (RUNX family transcription factor 1; minus strand). Cytogenetic location: 21q22.12.
Variant type: single nucleotide variant.
Coding change: c.1318G>C on transcript NM_001754.5 (MANE Select); coding-DNA position 1318, G replaced by C.
Protein change: p.Ala440Pro; replaces alanine 440 with proline.
Molecular consequence: missense variant.
Genome position (GRCh38, 1-based): chr21:34,792,260, C>G on the plus strand (G>C on the coding strand, the complement: RUNX1 is on the minus strand). VCF-style: chr21-34792260-C-G. GRCh37 (hg19) VCF-style: chr21-36164557-C-G.
Other names: NM_001754.5(RUNX1):c.1318G>C; p.Ala440Pro; c.1237G>C, p.Ala413Pro (NM_001001890.3); short protein forms A440P, A413P.
Identifiers: ClinVar variation 2000813 (VCV002000813.6), dbSNP rs2145873417, ClinGen allele CA410147387.

ClinVar aggregate classification (germline): Uncertain significance. Review status: reviewed by expert panel (3 of 4 stars). 3 submissions from 3 submitters: Uncertain significance (1). 2 of the submissions do not count toward it. Last evaluated 2024-10-29.

Conditions:
Inborn genetic diseases. Identifiers: MedGen C0950123, MeSH D030342.
Hereditary thrombocytopenia and hematological cancer predisposition syndrome associated with RUNX1. Also called: Familial Platelet Disorder with Propensity to Acute Myelogenous Leukemia; Familial thrombocytopenia with propensity to acute myelogenous leukemia; PLATELET DISORDER, ASPIRIN-LIKE; RUNX1 Familial Platelet Disorder with Associated Myeloid Malignancies. Identifiers: Orphanet 71290, MedGen C1832388, MeSH C563324, MONDO:0100083, OMIM 601399.
Hereditary thrombocytopenia and hematologic cancer predisposition syndrome. Identifiers: Orphanet 71290, MedGen CN281654, MONDO:0011071.

Submissions (3):

ClinGen Myeloid Malignancy Variant Curation Expert Panel
Classification: Uncertain significance for Hereditary thrombocytopenia and hematologic cancer predisposition syndrome. Last evaluated: 2024-10-29. Review status: reviewed by expert panel. Criteria: ClinGen MyeloMalig ACMG Specifications v2. Collection method: curation. Allele origin: germline. Inheritance: Autosomal dominant inheritance.
Comment: NM_001754.5(RUNX1):c.1318G>C (p.Ala440Pro) is a missense variant which has a REVEL score < 0.50 (0.085) and a SpliceAI score ≤ 0.20 (0.0) (BP4). This variant is completely absent from all population databases with at least 20x coverage for RUNX1 (PM2_Supporting). In summary, the clinical significance of this variant is uncertain. ACMG/AMP criteria applied, as specified by the Myeloid Malignancy Variant Curation Expert Panel for RUNX1: BP4, PM2_supporting.

Ambry Genetics
Classification: Likely benign for Inborn genetic diseases. Last evaluated: 2025-07-23. Review status: criteria provided, single submitter. Criteria: Ambry Variant Classification Scheme 2023. Collection method: clinical testing. Allele origin: germline. Not counted in ClinVar's aggregate classification.

Labcorp Genetics (formerly Invitae), Labcorp
Classification: Uncertain significance for Hereditary thrombocytopenia and hematological cancer predisposition syndrome associated with RUNX1. Last evaluated: 2022-05-29. Review status: criteria provided, single submitter. Criteria: Invitae Variant Classification Sherloc (09022015). Collection method: clinical testing. Allele origin: germline. Not counted in ClinVar's aggregate classification.
Comment: This sequence change replaces alanine, which is neutral and non-polar, with proline, which is neutral and non-polar, at codon 440 of the RUNX1 protein (p.Ala440Pro). This variant is not present in population databases (gnomAD no frequency). This variant has not been reported in the literature in individuals affected with RUNX1-related conditions. Algorithms developed to predict the effect of missense changes on protein structure and function (SIFT, PolyPhen-2, Align-GVGD) all suggest that this variant is likely to be tolerated. In summary, the available evidence is currently insufficient to determine the role of this variant in disease. Therefore, it has been classified as a Variant of Uncertain Significance.